The following is an entry in ClinVar:

NM_020928.2(ZSWIM6):c.1457G>A (p.Gly486Asp)

Gene: ZSWIM6 (zinc finger SWIM-type containing 6; plus strand). Cytogenetic location: 5q12.1.
Variant type: single nucleotide variant.
Coding change: c.1457G>A on transcript NM_020928.2 (MANE Select); coding-DNA position 1457, G replaced by A.
Protein change: p.Gly486Asp; replaces glycine 486 with aspartic acid.
Molecular consequence: missense variant.
Genome position (GRCh38, 1-based): chr5:61,521,386, G>A. VCF-style: chr5-61521386-G-A. GRCh37 (hg19) VCF-style: chr5-60817213-G-A.
Other names: short protein forms G486D.
Identifiers: ClinVar variation 1466546 (VCV001466546.6), dbSNP rs2112261235, ClinGen allele CA359942925.
Genomic context (GRCh38, chr5:61,521,386, plus strand): 5'-TAAAACAGCTGAAGAAATGGAATAGTGTTGATGTCTGTCCATGGGAAGATGGAAATCATG[G>A]CAGTGAATTACCCAACTTAACCAATGCTCTGCCTCAGGGTGCAAATGCCAACCAAGGTGA-3'
Protein context (NP_065979.1, residues 476-496): DVCPWEDGNH[Gly486Asp]SELPNLTNAL

ClinVar aggregate classification (germline): Uncertain significance (1 of 4 stars; one submission).

Submission:

Labcorp Genetics (formerly Invitae), Labcorp
Classification: Uncertain significance. Last evaluated: 2021-11-21. Review status: criteria provided, single submitter. Criteria: Invitae Variant Classification Sherloc (09022015). Collection method: clinical testing. Allele origin: germline.
Comment: In summary, the available evidence is currently insufficient to determine the role of this variant in disease. Therefore, it has been classified as a Variant of Uncertain Significance. Algorithms developed to predict the effect of missense changes on protein structure and function are either unavailable or do not agree on the potential impact of this missense change (SIFT: "Tolerated"; PolyPhen-2: "Possibly Damaging"; Align-GVGD: "Class C0"). This variant has not been reported in the literature in individuals affected with ZSWIM6-related conditions. This variant is not present in population databases (gnomAD no frequency). This sequence change replaces glycine, which is neutral and non-polar, with aspartic acid, which is acidic and polar, at codon 486 of the ZSWIM6 protein (p.Gly486Asp).